The following is an entry in ClinVar:

NM_001035.3(RYR2):c.4013A>T (p.Asp1338Val)

Genes: RYR2 (ryanodine receptor 2; plus strand), LOC126806067 (BRD4-independent group 4 enhancer GRCh37_chr1:237753258-237754457; plus strand). Cytogenetic location: 1q43.
Variant type: single nucleotide variant.
Coding change: c.4013A>T on transcript NM_001035.3 (MANE Select); coding-DNA position 4013, A replaced by T.
Protein change: p.Asp1338Val; replaces aspartic acid 1338 with valine.
Molecular consequence: missense variant.
Genome position (GRCh38, 1-based): chr1:237,590,845, A>T. VCF-style: chr1-237590845-A-T. GRCh37 (hg19) VCF-style: chr1-237754145-A-T.
Other names: short protein forms D1338V.
Identifiers: ClinVar variation 2011419 (VCV002011419.4), dbSNP rs2546615796, ClinGen allele CA345397552.

ClinVar aggregate classification (germline): Uncertain significance (1 of 4 stars; one submission).

Conditions:
Catecholaminergic polymorphic ventricular tachycardia 1. Also called: RYR2-Related Catecholaminergic Polymorphic Ventricular Tachycardia; VENTRICULAR TACHYCARDIA, CATECHOLAMINERGIC POLYMORPHIC, 1, WITH OR WITHOUT ATRIAL DYSFUNCTION AND/OR DILATED CARDIOMYOPATHY; VENTRICULAR TACHYCARDIA, STRESS-INDUCED POLYMORPHIC 1. Identifiers: Orphanet 3286, MedGen C1631597, MONDO:0011484, OMIM 604772.

Submission:

Labcorp Genetics (formerly Invitae), Labcorp
Classification: Uncertain significance for Catecholaminergic polymorphic ventricular tachycardia 1. Last evaluated: 2024-04-22. Review status: criteria provided, single submitter. Criteria: Invitae Variant Classification Sherloc (09022015). Collection method: clinical testing. Allele origin: germline.
Comment: This sequence change replaces aspartic acid, which is acidic and polar, with valine, which is neutral and non-polar, at codon 1338 of the RYR2 protein (p.Asp1338Val). This variant is not present in population databases (gnomAD no frequency). This variant has not been reported in the literature in individuals affected with RYR2-related conditions. ClinVar contains an entry for this variant (Variation ID: 2011419). Advanced modeling of protein sequence and biophysical properties (such as structural, functional, and spatial information, amino acid conservation, physicochemical variation, residue mobility, and thermodynamic stability) performed at Invitae indicates that this missense variant is not expected to disrupt RYR2 protein function with a negative predictive value of 95%. In summary, the available evidence is currently insufficient to determine the role of this variant in disease. Therefore, it has been classified as a Variant of Uncertain Significance.